The following is an entry in ClinVar:

ClinVar aggregate classification (germline): Uncertain significance (1 of 4 stars; one submission).

Conditions:
Familial thoracic aortic aneurysm and aortic dissection (TAAD). Also called: Thoracic aortic aneurysms and dissections. Identifiers: Orphanet 91387, MedGen C4707243, MONDO:0019625.

Submission:

Color Diagnostics, LLC DBA Color Health
Classification: Uncertain significance for Familial thoracic aortic aneurysm and aortic dissection. Last evaluated: 2020-11-02. Review status: criteria provided, single submitter. Criteria: ACMG Guidelines, 2015. Collection method: clinical testing. Allele origin: germline.
Comment: This missense variant replaces glycine with serine at codon 633 of the FBN1 protein. Computational prediction suggests that this variant may have deleterious impact on protein structure and function (internally defined REVEL score threshold >= 0.7, PMID: 27666373). To our knowledge, functional studies have not been reported for this variant. This variant has not been reported in individuals affected with cardiovascular disorders in the literature. This variant has not been identified in the general population by the Genome Aggregation Database (gnomAD). The available evidence is insufficient to determine the role of this variant in disease conclusively. Therefore, this variant is classified as a Variant of Uncertain Significance.

NM_000138.5(FBN1):c.1897G>A (p.Gly633Ser)

Gene: FBN1 (fibrillin 1; minus strand). Cytogenetic location: 15q21.1.
Variant type: single nucleotide variant.
Coding change: c.1897G>A on transcript NM_000138.5 (MANE Select); coding-DNA position 1897, G replaced by A.
Protein change: p.Gly633Ser; replaces glycine 633 with serine.
Molecular consequence: missense variant.
Genome position (GRCh38, 1-based): chr15:48,505,088, C>T on the plus strand (G>A on the coding strand, the complement: FBN1 is on the minus strand). VCF-style: chr15-48505088-C-T. GRCh37 (hg19) VCF-style: chr15-48797285-C-T.
Other names: short protein forms G633S.
Identifiers: ClinVar variation 1170984 (VCV001170984.2), dbSNP rs2141317297, ClinGen allele CA392339085.
Genomic context (GRCh38, chr15:48,505,088, plus strand): 5'-CACACACACGGCCATCCAGACCCACAGCCAGTCCAGGGAAGCATTCACATCTGTAGGAGC[C>T]ATCAGTGTTGACGCAACGCCCATTCATGCAGATCCCAGGGGTTTCACACTCGTTAATGTC-3'
Protein context (NP_000129.3, residues 623-643): CMNGRCVNTD[Gly633Ser]SYRCECFPGL